The following is an entry in ClinVar:

ClinVar aggregate classification (germline): Uncertain significance (1 of 4 stars; one submission).

Conditions:
Familial thoracic aortic aneurysm and aortic dissection (TAAD). Also called: Thoracic aortic aneurysms and dissections. Identifiers: Orphanet 91387, MedGen C4707243, MONDO:0019625.

Submission:

Color Diagnostics, LLC DBA Color Health
Classification: Uncertain significance for Familial thoracic aortic aneurysm and aortic dissection. Last evaluated: 2024-03-06. Review status: criteria provided, single submitter. Criteria: ACMG Guidelines, 2015. Collection method: clinical testing. Allele origin: germline.
Comment: This missense variant replaces glycine with arginine at codon 1308 of the MYH11 protein. Computational prediction suggests that this variant may not impact protein structure and function (internally defined REVEL score threshold <= 0.5, PMID: 27666373). To our knowledge, functional studies have not been reported for this variant. This variant has not been reported in individuals affected with MYH11-related disorders in the literature. This variant has not been identified in the general population by the Genome Aggregation Database (gnomAD). The available evidence is insufficient to determine the role of this variant in disease conclusively. Therefore, this variant is classified as a Variant of Uncertain Significance.

NM_002474.3(MYH11):c.3901G>A (p.Gly1301Arg)

Genes: NDE1 (nudE neurodevelopment protein 1; plus strand), MYH11 (myosin heavy chain 11; minus strand). Cytogenetic location: 16p13.11.
Variant type: single nucleotide variant.
Coding change: c.3901G>A on transcript NM_002474.3 (MANE Select); coding-DNA position 3901, G replaced by A.
Protein change: p.Gly1301Arg; replaces glycine 1301 with arginine.
Molecular consequence: missense variant. On other transcripts: 3 prime UTR variant (2).
Genome position (GRCh38, 1-based): chr16:15,724,950, C>T on the plus strand (G>A on the coding strand, the complement: MYH11 is on the minus strand). VCF-style: chr16-15724950-C-T. GRCh37 (hg19) VCF-style: chr16-15818807-C-T.
Other names: c.3922G>A, p.Gly1308Arg (NM_001040113.2, NM_001040114.2); c.3901G>A, p.Gly1301Arg (NM_022844.3); c.*699C>T (NM_001143979.2, NM_017668.3); short protein forms G1301R, G1308R.
Identifiers: ClinVar variation 2773819 (VCV002773819.2), dbSNP rs996925866, ClinGen allele CA394859104.